The following is an entry in ClinVar:

NM_000238.4(KCNH2):c.1831T>A (p.Tyr611Asn)

Gene: KCNH2 (potassium voltage-gated channel subfamily H member 2; minus strand). Cytogenetic location: 7q36.1.
Variant type: single nucleotide variant.
Coding change: c.1831T>A on transcript NM_000238.4 (MANE Select); coding-DNA position 1831, T replaced by A.
Protein change: p.Tyr611Asn; replaces tyrosine 611 with asparagine.
Molecular consequence: missense variant.
Genome position (GRCh38, 1-based): chr7:150,951,562, A>T on the plus strand (T>A on the coding strand, the complement: KCNH2 is on the minus strand). VCF-style: chr7-150951562-A-T. GRCh37 (hg19) VCF-style: chr7-150648650-A-T.
Other names: c.811T>A, p.Tyr271Asn (NM_001204798.2, NM_172057.3); c.1543T>A, p.Tyr515Asn (NM_001406753.1, NM_001406756.1); c.1654T>A, p.Tyr552Asn (NM_001406755.1); c.1531T>A, p.Tyr511Asn (NM_001406757.1); c.1831T>A, p.Tyr611Asn (NM_172056.3); short protein forms Y511N, Y552N, Y515N, Y611N, Y271N.
Identifiers: ClinVar variation 1780970 (VCV001780970.2), dbSNP rs199472942, ClinGen allele CA369857989.

ClinVar aggregate classification (germline): Uncertain significance (1 of 4 stars; one submission).

Conditions:
Cardiovascular phenotype. Identifiers: MedGen CN230736.

Submission:

Ambry Genetics
Classification: Uncertain significance for Cardiovascular phenotype. Last evaluated: 2019-09-27. Review status: criteria provided, single submitter. Criteria: Ambry Variant Classification Scheme 2023. Collection method: clinical testing. Allele origin: germline.
Comment: The p.Y611N variant (also known as c.1831T>A), located in coding exon 7 of the KCNH2 gene, results from a T to A substitution at nucleotide position 1831. The tyrosine at codon 611 is replaced by asparagine, an amino acid with dissimilar properties. This amino acid position is highly conserved in available vertebrate species. In addition, this alteration is predicted to be deleterious by in silico analysis. A likely pathogenic variant, p.Y611H, has been described in the same codon in individuals with long QT syndrome (Tanaka T et al. Circulation, 1997 Feb;95:565-7; Larsen LA et al. Hum. Mutat., 2001 Nov;18:451-7). Based on available evidence to date, the clinical significance of the p.Y611N alteration remains unclear.